The following is an entry in ClinVar:

NM_001197104.2(KMT2A):c.5237G>A (p.Gly1746Glu)

Gene: KMT2A (lysine methyltransferase 2A; plus strand). Cytogenetic location: 11q23.3.
Variant type: single nucleotide variant.
Coding change: c.5237G>A on transcript NM_001197104.2 (MANE Select); coding-DNA position 5237, G replaced by A.
Protein change: p.Gly1746Glu; replaces glycine 1746 with glutamic acid.
Molecular consequence: missense variant.
Genome position (GRCh38, 1-based): chr11:118,494,346, G>A. VCF-style: chr11-118494346-G-A. GRCh37 (hg19) VCF-style: chr11-118365061-G-A.
Other names: c.5327G>A, p.Gly1776Glu (NM_001412597.1); c.5228G>A, p.Gly1743Glu (NM_005933.4); short protein forms G1743E, G1746E, G1776E.
Identifiers: ClinVar variation 4800540 (VCV004800540.1).

ClinVar aggregate classification (germline): Uncertain significance (1 of 4 stars; one submission).

Submission:

Labcorp Genetics (formerly Invitae), Labcorp
Classification: Uncertain significance. Last evaluated: 2025-05-14. Review status: criteria provided, single submitter. Criteria: Invitae Variant Classification Sherloc (09022015). Collection method: clinical testing. Allele origin: germline.
Comment: This sequence change replaces glycine, which is neutral and non-polar, with glutamic acid, which is acidic and polar, at codon 1746 of the KMT2A protein (p.Gly1746Glu). This variant is not present in population databases (gnomAD no frequency). This variant has not been reported in the literature in individuals affected with KMT2A-related conditions. Invitae Evidence Modeling of protein sequence and biophysical properties (such as structural, functional, and spatial information, amino acid conservation, physicochemical variation, residue mobility, and thermodynamic stability) indicates that this missense variant is not expected to disrupt KMT2A protein function with a negative predictive value of 95%. In summary, the available evidence is currently insufficient to determine the role of this variant in disease. Therefore, it has been classified as a Variant of Uncertain Significance.